The following is an entry in ClinVar:

NM_001754.5(RUNX1):c.1092C>G (p.Ile364Met)

Gene: RUNX1 (RUNX family transcription factor 1; minus strand). Cytogenetic location: 21q22.12.
Variant type: single nucleotide variant.
Coding change: c.1092C>G on transcript NM_001754.5 (MANE Select); coding-DNA position 1092, C replaced by G.
Protein change: p.Ile364Met; replaces isoleucine 364 with methionine.
Molecular consequence: missense variant.
Genome position (GRCh38, 1-based): chr21:34,792,486, G>C on the plus strand (C>G on the coding strand, the complement: RUNX1 is on the minus strand). VCF-style: chr21-34792486-G-C. GRCh37 (hg19) VCF-style: chr21-36164783-G-C.
Other names: NM_001754.5(RUNX1):c.1092C>G; p.Ile364Met; c.1011C>G, p.Ile337Met (NM_001001890.3); short protein forms I364M, I337M.
Identifiers: ClinVar variation 2011243 (VCV002011243.5), dbSNP rs1321389332, ClinGen allele CA410148157.

ClinVar aggregate classification (germline): Uncertain significance. Review status: reviewed by expert panel (3 of 4 stars). 2 submissions from 2 submitters: Uncertain significance (1). 1 of the submissions does not count toward it. Last evaluated 2024-08-01.

Conditions:
Hereditary thrombocytopenia and hematological cancer predisposition syndrome associated with RUNX1. Also called: Familial Platelet Disorder with Propensity to Acute Myelogenous Leukemia; Familial thrombocytopenia with propensity to acute myelogenous leukemia; PLATELET DISORDER, ASPIRIN-LIKE; RUNX1 Familial Platelet Disorder with Associated Myeloid Malignancies. Identifiers: Orphanet 71290, MedGen C1832388, MeSH C563324, MONDO:0100083, OMIM 601399.
Hereditary thrombocytopenia and hematologic cancer predisposition syndrome. Identifiers: Orphanet 71290, MedGen CN281654, MONDO:0011071.

Submissions (2):

ClinGen Myeloid Malignancy Variant Curation Expert Panel
Classification: Uncertain significance for Hereditary thrombocytopenia and hematologic cancer predisposition syndrome. Last evaluated: 2024-08-01. Review status: reviewed by expert panel. Criteria: ClinGen MyeloMalig ACMG Specifications v2. Collection method: curation. Allele origin: germline. Inheritance: Autosomal dominant inheritance.
Comment: NM_001754.5(RUNX1):c.1092C>G (p.Ile364Met) is a missense variant which is completely absent from all population databases (gnomAD v2.1.1 and v3.1.2) with at least 20x coverage for RUNX1 (PM2_supporting). To the best of our knowledge, this variant has not been reported in the literature. In summary, the clinical significance of this variant is uncertain. ACMG/AMP criteria applied, as specified by the Myeloid Malignancy Variant Curation Expert Panel for RUNX1: PM2_supporting.

Labcorp Genetics (formerly Invitae), Labcorp
Classification: Uncertain significance for Hereditary thrombocytopenia and hematological cancer predisposition syndrome associated with RUNX1. Last evaluated: 2022-06-26. Review status: criteria provided, single submitter. Criteria: Invitae Variant Classification Sherloc (09022015). Collection method: clinical testing. Allele origin: germline. Not counted in ClinVar's aggregate classification.
Comment: This variant has not been reported in the literature in individuals affected with RUNX1-related conditions. This variant is not present in population databases (gnomAD no frequency). This sequence change replaces isoleucine, which is neutral and non-polar, with methionine, which is neutral and non-polar, at codon 364 of the RUNX1 protein (p.Ile364Met). Algorithms developed to predict the effect of missense changes on protein structure and function are either unavailable or do not agree on the potential impact of this missense change (SIFT: "Deleterious"; PolyPhen-2: "Possibly Damaging"; Align-GVGD: "Class C0"). In summary, the available evidence is currently insufficient to determine the role of this variant in disease. Therefore, it has been classified as a Variant of Uncertain Significance.